The following is an entry in ClinVar:

ClinVar aggregate classification (germline): Likely benign. Review status: criteria provided, multiple submitters, no conflicts (2 of 4 stars). 3 submissions from 3 submitters: Likely benign (3). Last evaluated 2025-12-01.

Conditions:
Inborn genetic diseases. Identifiers: MedGen C0950123, MeSH D030342.

Allele frequency attached by ClinVar (database versions not stated): gnomAD exomes 0.00012 and 0.00025; TOPMed 0.00013; ExAC 0.00016; gnomAD 0.00017; ESP Exome Variant Server 0.00023.
gnomAD v4.1: 390 of 1,613,930 alleles (0.024%); highest among the groups gnomAD compares: Non-Finnish European, 0.031%; no homozygotes.

Submissions (3):

Labcorp Genetics (formerly Invitae), Labcorp
Classification: Likely benign. Last evaluated: 2025-12-01. Review status: criteria provided, single submitter. Criteria: Invitae Variant Classification Sherloc (09022015). Collection method: clinical testing. Allele origin: germline.

CeGaT Center for Human Genetics Tuebingen
Classification: Likely benign. Last evaluated: 2025-07-01. Review status: criteria provided, single submitter. Criteria: CeGaT Center For Human Genetics Tuebingen Variant Classification Criteria Version 2. Collection method: clinical testing. Allele origin: germline. Affected: yes. Observed: 3 variant alleles.
Comment: SCN3A: PP2, BS1:Supporting, BS2

Ambry Genetics
Classification: Likely benign for Inborn genetic diseases. Last evaluated: 2024-12-19. Review status: criteria provided, single submitter. Criteria: Ambry Variant Classification Scheme 2023. Collection method: clinical testing. Allele origin: germline.

NM_006922.4(SCN3A):c.68C>T (p.Ala23Val)

Gene: SCN3A (sodium voltage-gated channel alpha subunit 3; minus strand). Cytogenetic location: 2q24.3.
Variant type: single nucleotide variant.
Coding change: c.68C>T on transcript NM_006922.4 (MANE Select); coding-DNA position 68, C replaced by T.
Protein change: p.Ala23Val; replaces alanine 23 with valine.
Molecular consequence: missense variant.
Genome position (GRCh38, 1-based): chr2:165,176,327, G>A on the plus strand (C>T on the coding strand, the complement: SCN3A is on the minus strand). VCF-style: chr2-165176327-G-A. GRCh37 (hg19) VCF-style: chr2-166032837-G-A.
Other names: c.68C>T, p.Ala23Val (NM_001081676.2, NM_001081677.2); short protein forms A23V.
Identifiers: ClinVar variation 645623 (VCV000645623.35), dbSNP rs139585434, ClinGen allele CA1939506.